The following is an entry in ClinVar:

ClinVar aggregate classification (germline): Benign/Likely benign. Review status: criteria provided, multiple submitters, no conflicts (2 of 4 stars). 5 submissions from 5 submitters: Benign (2); Likely benign (3). Last evaluated 2026-01-19.

Conditions:
PDE4D-related disorder. Also called: PDE4D-related condition.
Acrodysostosis 2 with or without hormone resistance. Also called: ACRODYSOSTOSIS 2 WITH HORMONE RESISTANCE; ACRODYSOSTOSIS 2 WITHOUT HORMONE RESISTANCE. Identifiers: Orphanet 280651, MedGen C3553250, MONDO:0013822, OMIM 614613.

Allele frequency attached by ClinVar (database versions not stated): ESP Exome Variant Server 0.00036; gnomAD exomes 0.00050 and 0.00052; TOPMed 0.00057; ExAC 0.00104.
gnomAD v4.1: 794 of 1,546,682 alleles (0.051%); highest among the groups gnomAD compares: Non-Finnish European, 0.057%; 2 homozygotes.

Submissions (5):

Labcorp Genetics (formerly Invitae), Labcorp
Classification: Benign. Last evaluated: 2026-01-19. Review status: criteria provided, single submitter. Criteria: Invitae Variant Classification Sherloc (09022015). Collection method: clinical testing. Allele origin: germline.

PreventionGenetics, part of Exact Sciences
Classification: Likely benign for PDE4D-related condition. Last evaluated: 2024-12-02. Review status: criteria provided, single submitter. Criteria: ACMG Guidelines, 2015. Collection method: clinical testing. Allele origin: germline.
Comment: This variant is classified as likely benign based on ACMG/AMP sequence variant interpretation guidelines (Richards et al. 2015 PMID: 25741868, with internal and published modifications).

Blueprint Genetics
Classification: Likely benign. Last evaluated: 2024-11-19. Review status: criteria provided, single submitter. Criteria: ACMG Guidelines, 2015. Collection method: clinical testing. Allele origin: germline.

CeGaT Center for Human Genetics Tuebingen
Classification: Likely benign. Last evaluated: 2022-03-01. Review status: criteria provided, single submitter. Criteria: CeGaT Center For Human Genetics Tuebingen Variant Classification Criteria Version 2. Collection method: clinical testing. Allele origin: germline. Affected: yes. Observed: 2 variant alleles.
Comment: PDE4D: BP4, BP7

Illumina Laboratory Services, Illumina
Classification: Benign for Acrodysostosis 2 with or without hormone resistance. Last evaluated: 2018-01-12. Review status: criteria provided, single submitter. Criteria: ICSL Variant Classification Criteria 13 December 2019. Collection method: clinical testing. Allele origin: germline.
Comment: This variant was observed in the ICSL laboratory as part of a predisposition screen in an ostensibly healthy population. It had not been previously curated by ICSL or reported in the Human Gene Mutation Database (HGMD: prior to June 1st, 2018), and was therefore a candidate for classification through an automated scoring system. Utilizing variant allele frequency, disease prevalence and penetrance estimates, and inheritance mode, an automated score was calculated to assess if this variant is too frequent to cause the disease. Based on the score and internal cut-off values, a variant classified as benign is not then subjected to further curation. The score for this variant resulted in a classification of benign for this disease.

NM_001104631.2(PDE4D):c.339G>A (p.Glu113=)

Gene: PDE4D (phosphodiesterase 4D; minus strand). Cytogenetic location: 5q12.1.
Variant type: single nucleotide variant.
Coding change: c.339G>A on transcript NM_001104631.2 (MANE Select); coding-DNA position 339, G replaced by A.
Protein change: p.Glu113=; no amino-acid change (glutamic acid 113 retained).
Molecular consequence: synonymous variant. On other transcripts: intron variant (5).
Genome position (GRCh38, 1-based): chr5:59,893,284, C>T on the plus strand (G>A on the coding strand, the complement: PDE4D is on the minus strand). VCF-style: chr5-59893284-C-T. GRCh37 (hg19) VCF-style: chr5-59189111-C-T.
Other names: c.272+95204G>A (NM_001364599.1, NM_001165899.2, NM_001364600.2); c.-240+95204G>A (NM_001349243.2); c.242+95204G>A (NM_001349241.2).
Identifiers: ClinVar variation 353999 (VCV000353999.48), dbSNP rs370095823, ClinGen allele CA3276665.